The following is an entry in ClinVar:

NM_030957.4(ADAMTS10):c.3154C>T (p.Gln1052Ter)

Gene: ADAMTS10 (ADAM metallopeptidase with thrombospondin type 1 motif 10; minus strand). Cytogenetic location: 19p13.2.
Variant type: single nucleotide variant.
Coding change: c.3154C>T on transcript NM_030957.4 (MANE Select); coding-DNA position 3154, C replaced by T.
Protein change: p.Gln1052Ter; replaces glutamine 1052 with a stop codon.
Molecular consequence: nonsense.
Genome position (GRCh38, 1-based): chr19:8,584,943, G>A on the plus strand (C>T on the coding strand, the complement: ADAMTS10 is on the minus strand). VCF-style: chr19-8584943-G-A. GRCh37 (hg19) VCF-style: chr19-8649827-G-A.
Other names: c.1615C>T, p.Gln539Ter (NM_001282352.2); short protein forms Q539*, Q1052*.
Identifiers: ClinVar variation 2862729 (VCV002862729.3), dbSNP rs2512571489, ClinGen allele CA403748155.
Genomic context (GRCh38, chr19:8,584,943, plus strand): 5'-TCACCCACATACCTTCAGGGCCGTCCCCGGGGGTTGGGCTGTCGCACTTGGCCTCACACT[G>A]CTGCGTGGTGGGCGGCCGCAGGGCCTCCGTGCACTCGTGCGACGCCTGGCCCGTGTGGCT-3'

ClinVar aggregate classification (germline): Pathogenic (1 of 4 stars; one submission).

Submission:

Labcorp Genetics (formerly Invitae), Labcorp
Classification: Pathogenic. Last evaluated: 2024-11-06. Review status: criteria provided, single submitter. Criteria: Invitae Variant Classification Sherloc (09022015). Collection method: clinical testing. Allele origin: germline.
Comment: This sequence change creates a premature translational stop signal (p.Gln1052*) in the ADAMTS10 gene. It is expected to result in an absent or disrupted protein product. Loss-of-function variants in ADAMTS10 are known to be pathogenic (PMID: 15368195, 18567016). This variant is not present in population databases (gnomAD no frequency). This variant has not been reported in the literature in individuals affected with ADAMTS10-related conditions. ClinVar contains an entry for this variant (Variation ID: 2862729). For these reasons, this variant has been classified as Pathogenic.

Literature cited by the submitters: PubMed 15368195; PubMed 18567016.